The following is an entry in ClinVar:

NM_001267550.2(TTN):c.15086G>A (p.Arg5029Gln)

Gene: TTN (titin; minus strand). Cytogenetic location: 2q31.2.
Variant type: single nucleotide variant.
Coding change: c.15086G>A on transcript NM_001267550.2 (MANE Select); coding-DNA position 15086, G replaced by A.
Protein change: p.Arg5029Gln; replaces arginine 5029 with glutamine.
Molecular consequence: missense variant. On other transcripts: intron variant (3).
Genome position (GRCh38, 1-based): chr2:178,734,838, C>T on the plus strand (G>A on the coding strand, the complement: TTN is on the minus strand). VCF-style: chr2-178734838-C-T. GRCh37 (hg19) VCF-style: chr2-179599565-C-T.
Other names: c.14135G>A, p.Arg4712Gln (NM_001256850.1); c.11354G>A, p.Arg3785Gln (NM_133378.4); c.13282+3244G>A (NM_003319.4); c.13858+3244G>A (NM_133437.4); c.13657+3244G>A (NM_133432.3); short protein forms R3785Q, R5029Q, R4712Q.
Identifiers: ClinVar variation 192032 (VCV000192032.16), dbSNP rs200792058, ClinGen allele CA238150.
Genomic context (GRCh38, chr2:178,734,838, plus strand): 5'-CTGTCTTCAACTTTTACATCCGTAATATCAAGTATAGCCTCAGAATTGACAAAATACATT[C>T]GGACTGTGTTACTTTCACTGAGTTCTTTGTTATTTTTAAACCAAGTAACCTGGATCACAG-3'
Protein context (NP_001254479.2, residues 5019-5039): NKELSESNTV[Arg5029Gln]MYFVNSEAIL

ClinVar aggregate classification (germline): Conflicting classifications of pathogenicity. Review status: criteria provided, conflicting classifications (1 of 4 stars). 8 submissions from 8 submitters: Uncertain significance (3); Likely benign (5). Last evaluated 2025-05-12.

Conditions:
TTN-related disorder. Also called: TTN-related condition; TTN-related disease; TTN-related disorders.
Cardiovascular phenotype. Identifiers: MedGen CN230736.
Cardiomyopathy (CMYO). Also called: Cardiomyopathies. Identifiers: Orphanet 167848, MedGen C0878544, MONDO:0004994, HP:0001638. Inheritance: Various modes of inheritance.

Allele frequency attached by ClinVar (database versions not stated): TOPMed 0.00008; gnomAD 0.00010; ExAC 0.00019; gnomAD exomes 0.00019 and 0.00021; ESP Exome Variant Server 0.00025.
gnomAD v4.1: 317 of 1,613,692 alleles (0.02%); highest among the groups gnomAD compares: South Asian, 0.087%; 1 homozygote.

Submissions (8):

PreventionGenetics, part of Exact Sciences
Classification: Likely benign for TTN-related condition. Last evaluated: 2025-05-12. Review status: criteria provided, single submitter. Criteria: ACMG Guidelines, 2015. Collection method: clinical testing. Allele origin: germline.
Comment: This variant is classified as likely benign based on ACMG/AMP sequence variant interpretation guidelines (Richards et al. 2015 PMID: 25741868, with internal and published modifications).

Blueprint Genetics
Classification: Likely benign. Last evaluated: 2024-11-18. Review status: criteria provided, single submitter. Criteria: ACMG Guidelines, 2015. Collection method: clinical testing. Allele origin: germline.

CHEO Genetics Diagnostic Laboratory, Children's Hospital of Eastern Ontario
Classification: Likely benign for Cardiomyopathy. Last evaluated: 2020-12-30. Review status: criteria provided, single submitter. Criteria: ACMG Guidelines, 2015. Collection method: clinical testing. Allele origin: germline.

Ambry Genetics
Classification: Likely benign for Cardiovascular phenotype. Last evaluated: 2020-03-24. Review status: criteria provided, single submitter. Criteria: Ambry Autosomal Dominant and X-Linked criteria (2/2020). Collection method: clinical testing. Allele origin: germline. Observed: 1 variant allele.
Comment: In silico models in agreement (benign);Subpopulation frequency in support of benign classification

Revvity Omics, Revvity
Classification: Uncertain significance. Last evaluated: 2019-11-15. Review status: criteria provided, single submitter. Criteria: ACMG Guidelines, 2015. Collection method: clinical testing. Allele origin: germline.

GeneDx
Classification: Likely benign. Last evaluated: 2018-03-19. Review status: criteria provided, single submitter. Criteria: GeneDx Variant Classification (06012015). Collection method: clinical testing. Allele origin: germline. Affected: yes.
Comment: This variant is considered likely benign or benign based on one or more of the following criteria: it is a conservative change, it occurs at a poorly conserved position in the protein, it is predicted to be benign by multiple in silico algorithms, and/or has population frequency not consistent with disease.

Eurofins Ntd Llc (ga)
Classification: Uncertain significance. Last evaluated: 2015-09-22. Review status: criteria provided, single submitter. Criteria: EGL Classification Definitions 2015. Collection method: clinical testing. Allele origin: germline. Observed: 1 variant allele, 1 heterozygote.

Biesecker Lab/Clinical Genomics Section, National Institutes of Health
Classification: Uncertain significance. Last evaluated: 2013-06-24. Review status: criteria provided, single submitter. Criteria: Ng et al. (Circ Cardiovasc Genet. 2013). Collection method: research. Allele origin: unknown. Observed: 1 variant allele. Study: ClinSeq.
Comment: The study set was not selected for affection status in relation to any cancer. Pathogenicity categories were based on literature curation. See Pubmed ID:23861362 for details.

Medical sequencing